The following is an entry in ClinVar:

NM_004431.5(EPHA2):c.2904G>C (p.Gln968His)

Gene: EPHA2 (EPH receptor A2; minus strand). Cytogenetic location: 1p36.13.
Variant type: single nucleotide variant.
Coding change: c.2904G>C on transcript NM_004431.5 (MANE Select); coding-DNA position 2904, G replaced by C.
Protein change: p.Gln968His; replaces glutamine 968 with histidine.
Molecular consequence: missense variant.
Genome position (GRCh38, 1-based): chr1:16,125,242, C>G on the plus strand (G>C on the coding strand, the complement: EPHA2 is on the minus strand). VCF-style: chr1-16125242-C-G. GRCh37 (hg19) VCF-style: chr1-16451737-C-G.
Other names: c.2904G>C (NM_004431.4); c.2742G>C, p.Gln914His (NM_001329090.2); short protein forms Q968H, Q914H.
Identifiers: ClinVar variation 293406 (VCV000293406.23), dbSNP rs138818894, ClinGen allele CA624668.

ClinVar aggregate classification (germline): Conflicting classifications of pathogenicity. Review status: criteria provided, conflicting classifications (1 of 4 stars). 5 submissions from 5 submitters: Uncertain significance (1); Benign (1); Likely benign (2). 1 of the submissions does not count toward it. Last evaluated 2025-06-12.

Conditions:
EPHA2-related disorder. Also called: EPHA2-related condition.
Cataract 6 multiple types. Also called: CATARACT, AGE-RELATED CORTICAL, 2; CATARACT 6, POSTERIOR POLAR; CATARACT 6, CONGENITAL TOTAL. Identifiers: Orphanet 91492, MedGen C1861825, MONDO:0007288, OMIM 116600.

Allele frequency attached by ClinVar (database versions not stated): 1000 Genomes Project 30x 0.00047; 1000 Genomes Project 0.00060; gnomAD 0.00159; TOPMed 0.00171; gnomAD exomes 0.00187; ExAC 0.00210; ESP Exome Variant Server 0.00254.
gnomAD v4.1: 3,891 of 1,613,984 alleles (0.24%); highest among the groups gnomAD compares: Non-Finnish European, 0.29%; 12 homozygotes.

Submissions (5):

Labcorp Genetics (formerly Invitae), Labcorp
Classification: Likely benign for Cataract 6 multiple types. Last evaluated: 2025-06-12. Review status: criteria provided, single submitter. Criteria: Invitae Variant Classification Sherloc (09022015). Collection method: clinical testing. Allele origin: germline.

GeneDx
Classification: Likely benign. Last evaluated: 2018-10-29. Review status: criteria provided, single submitter. Criteria: GeneDx Variant Classification Process June 2021. Collection method: clinical testing. Allele origin: germline. Affected: yes.

Illumina Laboratory Services, Illumina
Classification: Benign for Cataract 6 multiple types. Last evaluated: 2018-01-12. Review status: criteria provided, single submitter. Criteria: ICSL Variant Classification Criteria 13 December 2019. Collection method: clinical testing. Allele origin: germline.
Comment: This variant was observed in the ICSL laboratory as part of a predisposition screen in an ostensibly healthy population. It had not been previously curated by ICSL or reported in the Human Gene Mutation Database (HGMD: prior to June 1st, 2018), and was therefore a candidate for classification through an automated scoring system. Utilizing variant allele frequency, disease prevalence and penetrance estimates, and inheritance mode, an automated score was calculated to assess if this variant is too frequent to cause the disease. Based on the score and internal cut-off values, a variant classified as benign is not then subjected to further curation. The score for this variant resulted in a classification of benign for this disease.

Genetic Services Laboratory, University of Chicago
Classification: Uncertain significance. Last evaluated: 2016-05-06. Review status: criteria provided, single submitter. Criteria: ACMG Guidelines, 2015. Collection method: clinical testing. Allele origin: germline. Affected: no.

PreventionGenetics, part of Exact Sciences
Classification: Likely benign for EPHA2-related condition. Last evaluated: 2022-02-17. Review status: no assertion criteria provided. Collection method: clinical testing. Allele origin: germline. Not counted in ClinVar's aggregate classification.
Comment: This variant is classified as likely benign based on ACMG/AMP sequence variant interpretation guidelines (Richards et al. 2015 PMID: 25741868, with internal and published modifications).